The following is an entry in ClinVar:

ClinVar aggregate classification (germline): Likely benign (1 of 4 stars; one submission).

Conditions:
Atypical hemolytic-uremic syndrome. Identifiers: Orphanet 2134, MedGen C2931788, MONDO:0016244.
Basal laminar drusen. Also called: DRUSEN OF BRUCH MEMBRANE; DRUSEN, CUTICULAR; DRUSEN, EARLY ADULT-ONSET, GROUPED. Identifiers: Orphanet 75376, MedGen C0730295, MONDO:0007472, OMIM 126700.
Factor H deficiency (CFHD). Also called: COMPLEMENT FACTOR H DEFICIENCY; CFH DEFICIENCY. Identifiers: Orphanet 200421, MedGen C0398777, MONDO:0012350, OMIM 609814.
Age related macular degeneration 4. Identifiers: MedGen C1853147, MONDO:0012540, OMIM 610698.

Submission:

Genomenon, Inc
Classification: Likely benign for Basal laminar drusen; Age related macular degeneration 4; Atypical hemolytic-uremic syndrome; Factor H deficiency. Last evaluated: 2025-10-02. Review status: criteria provided, single submitter. Criteria: Genomenon Sequence Variant Interpretation Standards - Updated. Collection method: curation. Allele origin: germline. Affected: no.
Comment: CFH p.Tyr299= (c.897T>C) is a synonymous variant that retains Tyrosine at residue 299. This variant has been reported in the published literature (PMID:36211394). This synonymous variant is not predicted to impact splicing. It is absent or not present at a significant frequency in gnomAD. In conclusion, we classify CFH p.Tyr299= (c.897T>C) as a likely benign variant.

Literature cited by the submitters: PubMed 36211394.

NM_000186.4(CFH):c.897T>C (p.Tyr299=)

Gene: CFH (complement factor H; plus strand). Cytogenetic location: 1q31.3.
Variant type: single nucleotide variant.
Coding change: c.897T>C on transcript NM_000186.4 (MANE Select); coding-DNA position 897, T replaced by C.
Protein change: p.Tyr299=; no amino-acid change (tyrosine 299 retained).
Molecular consequence: synonymous variant.
Genome position (GRCh38, 1-based): chr1:196,685,170, T>C. VCF-style: chr1-196685170-T-C. GRCh37 (hg19) VCF-style: chr1-196654300-T-C.
Other names: c.897T>C, p.Tyr299= (NM_001014975.3).
Identifiers: ClinVar variation 4291332 (VCV004291332.1).